The following is an entry in ClinVar:

NM_001370298.3(FGD4):c.1497_1500del (p.Asp498_Tyr499insTer)

Gene: FGD4 (FYVE, RhoGEF and PH domain containing 4; plus strand). Cytogenetic location: 12p11.21.
Variant type: Deletion.
Coding change: c.1497_1500del on transcript NM_001370298.3 (MANE Select); coding-DNA positions 1497 to 1500, 4 bases deleted (TCTA; older notation c.1497_1500delTCTA).
Protein change: p.Asp498_Tyr499insTer.
Molecular consequence: nonsense.
Genome position (GRCh38, 1-based): chr12:32,608,049-32,608,052, TCTA deleted; deleting any 4 consecutive bases within chr12:32,608,046-32,608,052 gives the same sequence; the c. name uses the placement nearest the transcript's 3' end. VCF-style (leftmost placement, unchanged base first): chr12-32608045-ACTAT-A. GRCh37 (hg19) VCF-style: chr12-32760979-ACTAT-A.
Other names: c.1341_1344del, p.Asp446_Tyr447insTer (NM_001304481.2); c.342_345del, p.Asp113_Tyr114insTer (NM_001304483.2); c.54_57del, p.Asp17_Tyr18insTer (NM_001304484.2); c.807_810del, p.Asp268_Tyr269insTer (NM_001330373.2, NM_001330374.2, NM_001384130.1); c.534_537del, p.Asp177_Tyr178insTer (NM_001370297.1); c.1497_1500del, p.Asp498_Tyr499insTer (NM_001384126.1); c.1086_1089del, p.Asp361_Tyr362insTer (NM_001384127.1, NM_001384128.1, NM_001385118.1 and 1 more transcripts).
Identifiers: ClinVar variation 2829358 (VCV002829358.3), dbSNP rs2540687833, ClinGen allele CA2575117517.

ClinVar aggregate classification (germline): Pathogenic (1 of 4 stars; one submission).

Conditions:
Charcot-Marie-Tooth disease type 4. Also called: Charcot-Marie-Tooth, Type 4; Charcot-Marie-Tooth disease, type IV. Identifiers: Orphanet 64749, MedGen C4082197, MONDO:0018995.

Submission:

Labcorp Genetics (formerly Invitae), Labcorp
Classification: Pathogenic for Charcot-Marie-Tooth disease type 4. Last evaluated: 2023-01-17. Review status: criteria provided, single submitter. Criteria: Invitae Variant Classification Sherloc (09022015). Collection method: clinical testing. Allele origin: germline.
Comment: For these reasons, this variant has been classified as Pathogenic. This variant has not been reported in the literature in individuals affected with FGD4-related conditions. This variant is not present in population databases (gnomAD no frequency). This sequence change creates a premature translational stop signal (p.Tyr362*) in the FGD4 gene. It is expected to result in an absent or disrupted protein product. Loss-of-function variants in FGD4 are known to be pathogenic (PMID: 17564972).

Literature cited by the submitters: PubMed 17564972.